The following is an entry in ClinVar:

ClinVar aggregate classification (germline): Pathogenic (1 of 4 stars; one submission).

Conditions:
Propionic acidemia (PROP). Also called: GLYCINEMIA, KETOTIC; HYPERGLYCINEMIA WITH KETOACIDOSIS AND LEUKOPENIA; KETOTIC HYPERGLYCINEMIA. Identifiers: Orphanet 35, MedGen C0268579, MONDO:0011628, OMIM 606054, HP:0003571.

Submission:

Women's Health and Genetics/Laboratory Corporation of America, LabCorp
Classification: Pathogenic for Propionic acidemia. Last evaluated: 2017-04-21. Review status: criteria provided, single submitter. Criteria: LabCorp Variant Classification Summary - May 2015. Collection method: clinical testing. Allele origin: germline.
Comment: Variant summary: This c.1218_1231delins12 (or c.1218_1231del14ins12) variant causes a frameshift, which alters the proteins amino acid sequence beginning at position 407 and leads to a premature termination codon 14 amino acids downstream. It is predicted to cause a truncated or absent PCCB protein and was shown to have less <5% PCC activity in patients fibroblasts. The variant is absent in control chromosomes, 0/121290. In literature and databases, this variant has been reported or found as the most common pathogenic variant in Caucasians that causes Propionic Acidemia. Therefore, taking all available lines of evidence into consideration, the variant of interest has been classified as "pathogenic."

Literature cited by the submitters: PubMed 10780784; PubMed 8023851; PubMed 9683601.

NM_000532.4(PCCB):c.1218_1231delGGGCATCATCCGGCins12 (p.?)

Gene: PCCB (propionyl-CoA carboxylase subunit beta; plus strand). Cytogenetic location: 3q22.3.
Variant type: Indel.
Coding change: c.1218_1231delGGGCATCATCCGGCins12 on transcript NM_000532.4; coding-DNA positions 1218 to 1231, 14 bases deleted.
Protein change: p.?.
Identifiers: ClinVar variation 496028 (VCV000496028.1).